The following is an entry in ClinVar:

ClinVar aggregate classification (germline): Pathogenic (1 of 4 stars; one submission).

Conditions:
Metachromatic leukodystrophy (MLD). Also called: Cerebral sclerosis diffuse metachromatic form; Arylsulfatase A Deficiency; ARSA DEFICIENCY; CEREBROSIDE SULFATASE DEFICIENCY; METACHROMATIC LEUKOENCEPHALOPATHY; SULFATIDE LIPIDOSIS. Identifiers: Orphanet 512, MedGen C0023522, MONDO:0018868, OMIM 250100.

Submission:

Labcorp Genetics (formerly Invitae), Labcorp
Classification: Pathogenic for Metachromatic leukodystrophy. Last evaluated: 2024-06-26. Review status: criteria provided, single submitter. Criteria: Invitae Variant Classification Sherloc (09022015). Collection method: clinical testing. Allele origin: germline.
Comment: This sequence change creates a premature translational stop signal (p.Leu342Trpfs*81) in the ARSA gene. While this is not anticipated to result in nonsense mediated decay, it is expected to disrupt the last 168 amino acid(s) of the ARSA protein. This variant is not present in population databases (gnomAD no frequency). This variant has not been reported in the literature in individuals affected with ARSA-related conditions. This variant disrupts a region of the ARSA protein in which other variant(s) (p.Cys491Gly) have been determined to be pathogenic (PMID: 15026521; Invitae). This suggests that this is a clinically significant region of the protein, and that variants that disrupt it are likely to be disease-causing. For these reasons, this variant has been classified as Pathogenic.

Literature cited by the submitters: PubMed 15026521.

NM_000487.6(ARSA):c.1024del (p.Leu342fs)

Gene: ARSA (arylsulfatase A; minus strand). Cytogenetic location: 22q13.33.
Variant type: Deletion.
Coding change: c.1024del on transcript NM_000487.6 (MANE Select); coding-DNA position 1024, one base deleted (C; older notation c.1024delC).
Protein change: p.Leu342fs; shifts the reading frame from leucine 342.
Molecular consequence: frameshift variant.
Genome position (GRCh38, 1-based): chr22:50,626,019, G deleted on the plus strand (C on the coding strand, the reverse complement: ARSA is on the minus strand); the first of 3 consecutive G bases (chr22:50,626,019-50,626,021); deleting any one gives the same sequence. VCF-style (leftmost placement, unchanged base first): chr22-50626018-AG-A. GRCh37 (hg19) VCF-style: chr22-51064446-AG-A.
Other names: c.1024del, p.Leu342fs (NM_001085425.3, NM_001085426.3, NM_001085427.3); c.766del, p.Leu256fs (NM_001085428.3, NM_001362782.2); short protein forms L342fs, L256fs.
Identifiers: ClinVar variation 3657953 (VCV003657953.2).